The following is an entry in ClinVar:

NM_015046.7(SETX):c.3265G>A (p.Val1089Met)

Gene: SETX (senataxin; minus strand). Cytogenetic location: 9q34.13.
Variant type: single nucleotide variant.
Coding change: c.3265G>A on transcript NM_015046.7 (MANE Select); coding-DNA position 3265, G replaced by A.
Protein change: p.Val1089Met; replaces valine 1089 with methionine.
Molecular consequence: missense variant.
Genome position (GRCh38, 1-based): chr9:132,328,333, C>T on the plus strand (G>A on the coding strand, the complement: SETX is on the minus strand). VCF-style: chr9-132328333-C-T. GRCh37 (hg19) VCF-style: chr9-135203720-C-T.
Other names: c.3265G>A (NM_015046.5); c.3265G>A, p.Val1089Met (NM_001351527.2, NM_001351528.2); short protein forms V1089M.
Identifiers: ClinVar variation 1343326 (VCV001343326.5), dbSNP rs917637229, ClinGen allele CA200811497.

ClinVar aggregate classification (germline): Uncertain significance. Review status: criteria provided, multiple submitters, no conflicts (2 of 4 stars). 3 submissions from 3 submitters: Uncertain significance (2). 1 of the submissions does not count toward it. Last evaluated 2023-03-07.

Conditions:
Amyotrophic lateral sclerosis (ALS). Also called: Charcot disease; Lou Gehrig disease. Identifiers: Orphanet 803, MedGen C0002736, MONDO:0004976, HP:0007354.
SETX-related disorder. Also called: SETX-related disorders; SETX-related condition. Identifiers: MedGen CN239403.
Amyotrophic lateral sclerosis type 4 (ALS4). Also called: NEURONOPATHY, DISTAL HEREDITARY MOTOR, WITH PYRAMIDAL FEATURES; AMYOTROPHIC LATERAL SCLEROSIS 4, JUVENILE. Identifiers: Orphanet 357043, MedGen C1865409, MONDO:0011223, OMIM 602433.
Spinocerebellar ataxia, autosomal recessive, with axonal neuropathy 2 (SCAN2). Also called: ATAXIA-OCULOMOTOR APRAXIA 2; Ataxia-ocular apraxia-2; Ataxia with Oculomotor Apraxia; Ataxia with Oculomotor Apraxia Type 2. Identifiers: Orphanet 64753, MedGen C1853761, MONDO:0018996, OMIM 606002.

Allele frequency attached by ClinVar (database versions not stated): gnomAD exomes below 0.00001.
gnomAD v4.1: 2 of 1,614,082 alleles (0.00012%); highest among the groups gnomAD compares: Non-Finnish European, 0.00017%; no homozygotes.

Submissions (3):

Labcorp Genetics (formerly Invitae), Labcorp
Classification: Uncertain significance for Amyotrophic lateral sclerosis type 4; Spinocerebellar ataxia, autosomal recessive, with axonal neuropathy 2. Last evaluated: 2023-03-07. Review status: criteria provided, single submitter. Criteria: Invitae Variant Classification Sherloc (09022015). Collection method: clinical testing. Allele origin: germline.
Comment: Advanced modeling of protein sequence and biophysical properties (such as structural, functional, and spatial information, amino acid conservation, physicochemical variation, residue mobility, and thermodynamic stability) performed at Invitae indicates that this missense variant is not expected to disrupt SETX protein function. In summary, the available evidence is currently insufficient to determine the role of this variant in disease. Therefore, it has been classified as a Variant of Uncertain Significance. ClinVar contains an entry for this variant (Variation ID: 1343326). This sequence change replaces valine, which is neutral and non-polar, with methionine, which is neutral and non-polar, at codon 1089 of the SETX protein (p.Val1089Met). This variant is not present in population databases (gnomAD no frequency). This variant has not been reported in the literature in individuals affected with SETX-related conditions.

Dept. of Medical Genetics, Telemark Hospital Trust, Telemark Hospital Trust
Classification: Uncertain significance for Amyotrophic Lateral Sclerosis. Last evaluated: 2022-01-01. Review status: criteria provided, single submitter. Criteria: ACMG Guidelines, 2015. Collection method: research. Allele origin: germline. Affected: yes.

PreventionGenetics, part of Exact Sciences
Classification: Uncertain significance for SETX-related condition. Last evaluated: 2024-02-22. Review status: no assertion criteria provided. Collection method: clinical testing. Allele origin: germline. Not counted in ClinVar's aggregate classification.
Comment: The SETX c.3265G>A variant is predicted to result in the amino acid substitution p.Val1089Met. This variant was reported in an individual with sporadic amyotrophic lateral sclerosis (ALS) (Olsen et al. 2022. PubMed ID: 35576897). It has not been reported in a large population database, indicating this variant is rare. At this time, the clinical significance of this variant is uncertain due to the absence of conclusive functional and genetic evidence.